The following is an entry in ClinVar:

NM_002907.4(RECQL):c.1195T>C (p.Tyr399His)

Gene: RECQL (RecQ like helicase; minus strand). Cytogenetic location: 12p12.1.
Variant type: single nucleotide variant.
Coding change: c.1195T>C on transcript NM_002907.4 (MANE Select); coding-DNA position 1195, T replaced by C.
Protein change: p.Tyr399His; replaces tyrosine 399 with histidine.
Molecular consequence: missense variant.
Genome position (GRCh38, 1-based): chr12:21,475,489, A>G on the plus strand (T>C on the coding strand, the complement: RECQL is on the minus strand). VCF-style: chr12-21475489-A-G. GRCh37 (hg19) VCF-style: chr12-21628423-A-G.
Other names: c.1195T>C, p.Tyr399His (NM_032941.3); short protein forms Y399H.
Identifiers: ClinVar variation 1745938 (VCV001745938.3), dbSNP rs1216394981, ClinGen allele CA384119313.
Genomic context (GRCh38, chr12:21,475,489, plus strand): 5'-CTTTCTAAAAATTTACTTCTGGATTTGAGTCCTACATACCTGCACGTCCACTCTCTTGGT[A>G]ATAATTTTCCATGGATTTACTCATTGAATGATGGATAACAAACCTCACATCTGGCTTATC-3'
Protein context (NP_002898.2, residues 389-409): HSMSKSMENY[Tyr399His]QESGRAGRDD

ClinVar aggregate classification (germline): Uncertain significance (1 of 4 stars; one submission).

Allele frequency attached by ClinVar (database versions not stated): gnomAD 0.00001; TOPMed 0.00001.
gnomAD v4.1: 2 of 1,610,666 alleles (0.00012%); highest among the groups gnomAD compares: African/African-American, 0.0027%; no homozygotes.

Submission:

Ambry Genetics
Classification: Uncertain significance. Last evaluated: 2024-05-28. Review status: criteria provided, single submitter. Criteria: Ambry Variant Classification Scheme 2023. Collection method: clinical testing. Allele origin: germline.
Comment: The p.Y399H variant (also known as c.1195T>C), located in coding exon 9 of the RECQL gene, results from a T to C substitution at nucleotide position 1195. The tyrosine at codon 399 is replaced by histidine, an amino acid with similar properties. This amino acid position is highly conserved in available vertebrate species. In addition, this alteration is predicted to be deleterious by in silico analysis. Since supporting evidence is limited at this time, the clinical significance of this alteration remains unclear.